The following is an entry in ClinVar:

NM_002474.3(MYH11):c.3652-5G>A

Gene: MYH11 (myosin heavy chain 11; minus strand). Cytogenetic location: 16p13.11.
Variant type: single nucleotide variant.
Coding change: c.3652-5G>A on transcript NM_002474.3 (MANE Select); 5 bases into the intron before coding-DNA position 3652, G replaced by A.
Molecular consequence: intron variant.
Genome position (GRCh38, 1-based): chr16:15,727,059, C>T on the plus strand (G>A on the coding strand, the complement: MYH11 is on the minus strand). VCF-style: chr16-15727059-C-T. GRCh37 (hg19) VCF-style: chr16-15820916-C-T.
Other names: c.3652-5G>A (NM_022844.3, NM_002474.2); c.3673-5G>A (NM_001040114.2, NM_001040113.2).
Identifiers: ClinVar variation 927909 (VCV000927909.7), dbSNP rs1208868468, ClinGen allele CA718496599.

ClinVar aggregate classification (germline): Conflicting classifications of pathogenicity. Review status: criteria provided, conflicting classifications (1 of 4 stars). 3 submissions from 3 submitters: Uncertain significance (1); Likely benign (2). Last evaluated 2026-05-08.

Conditions:
Familial thoracic aortic aneurysm and aortic dissection (TAAD). Also called: Thoracic aortic aneurysms and dissections. Identifiers: Orphanet 91387, MedGen C4707243, MONDO:0019625.
Aortic aneurysm, familial thoracic 4 (AAT4). Also called: AORTIC ANEURYSM/AORTIC DISSECTION AND PATENT DUCTUS ARTERIOSUS. Identifiers: MedGen C1851504, MONDO:0007568, OMIM 132900.

Allele frequency attached by ClinVar (database versions not stated): TOPMed below 0.00001; gnomAD exomes 0.00001; gnomAD 0.00001.
gnomAD v4.1: 11 of 1,612,814 alleles (0.00068%); highest among the groups gnomAD compares: Middle Eastern, 0.016%; no homozygotes.

Submissions (3):

Ambry Genetics
Classification: Uncertain significance for Familial thoracic aortic aneurysm and aortic dissection. Last evaluated: 2026-05-08. Review status: criteria provided, single submitter. Criteria: Ambry Variant Classification Scheme 2023. Collection method: clinical testing. Allele origin: germline.
Comment: The c.3652-5G>A intronic variant results from a G to A substitution 5 nucleotides upstream from coding exon 27 in the MYH11 gene. This nucleotide position is not well conserved in available vertebrate species. In silico splice site analysis predicts that this alteration will not have any significant effect on splicing. Based on the available evidence, the clinical significance of this variant remains unclear.

Labcorp Genetics (formerly Invitae), Labcorp
Classification: Likely benign for Aortic aneurysm, familial thoracic 4. Last evaluated: 2025-04-17. Review status: criteria provided, single submitter. Criteria: Invitae Variant Classification Sherloc (09022015). Collection method: clinical testing. Allele origin: germline.

Color Diagnostics, LLC DBA Color Health
Classification: Likely benign for Familial thoracic aortic aneurysm and aortic dissection. Last evaluated: 2019-09-04. Review status: criteria provided, single submitter. Criteria: ACMG Guidelines, 2015. Collection method: clinical testing. Allele origin: germline.